The following is an entry in ClinVar:

NM_003921.5(BCL10):c.285_286delinsCG (p.Ile96Val)

Gene: BCL10 (BCL10 immune signaling adaptor; minus strand). Cytogenetic location: 1p22.3.
Variant type: Indel.
Coding change: c.285_286delinsCG on transcript NM_003921.5 (MANE Select); coding-DNA positions 285 to 286, GA replaced by CG.
Protein change: p.Ile96Val; replaces isoleucine 96 with valine.
Molecular consequence: missense variant.
Genome position (GRCh38, 1-based): chr1:85,270,678-85,270,679, TC replaced by CG on the plus strand (GA replaced by CG on the coding strand, the reverse complement: BCL10 is on the minus strand). VCF-style: chr1-85270678-TC-CG. GRCh37 (hg19) VCF-style: chr1-85736361-TC-CG.
Other names: c.285_286delinsCG, p.Ile96Val (NM_001320715.2); short protein forms I96V.
Identifiers: ClinVar variation 934334 (VCV000934334.9), dbSNP rs1660346727, ClinGen allele CA1139656183.

ClinVar aggregate classification (germline): Uncertain significance (1 of 4 stars; one submission).

Conditions:
Immunodeficiency 37 (IMD37). Identifiers: MedGen C4015195, MONDO:0014491, OMIM 616098.

Submission:

Labcorp Genetics (formerly Invitae), Labcorp
Classification: Uncertain significance for Immunodeficiency 37. Last evaluated: 2024-12-31. Review status: criteria provided, single submitter. Criteria: Invitae Variant Classification Sherloc (09022015). Collection method: clinical testing. Allele origin: germline.
Comment: This sequence change replaces isoleucine, which is neutral and non-polar, with valine, which is neutral and non-polar, at codon 96 of the BCL10 protein (p.Ile96Val). Information on the frequency of this variant in the gnomAD database is not available, as this variant may be reported differently in the database. This variant has not been reported in the literature in individuals affected with BCL10-related conditions. ClinVar contains an entry for this variant (Variation ID: 934334). Experimental studies and prediction algorithms are not available or were not evaluated, and the functional significance of this variant is currently unknown. In summary, the available evidence is currently insufficient to determine the role of this variant in disease. Therefore, it has been classified as a Variant of Uncertain Significance.